The following is an entry in ClinVar:

ClinVar aggregate classification (germline): Uncertain significance (1 of 4 stars; one submission).

Conditions:
Peroxisome biogenesis disorder 11A (Zellweger). Also called: Peroxisome biogenesis disorder 11A. Identifiers: Orphanet 912, MedGen C3554000, MONDO:0013949, OMIM 614883.

Allele frequency attached by ClinVar (database versions not stated): gnomAD exomes below 0.00001.
gnomAD v4.1: 2 of 1,614,154 alleles (0.00012%); highest among the groups gnomAD compares: Middle Eastern, 0.016%; no homozygotes.

Submission:

Labcorp Genetics (formerly Invitae), Labcorp
Classification: Uncertain significance for Peroxisome biogenesis disorder 11A (Zellweger). Last evaluated: 2021-08-17. Review status: criteria provided, single submitter. Criteria: Invitae Variant Classification Sherloc (09022015). Collection method: clinical testing. Allele origin: germline.
Comment: This variant is not present in population databases (ExAC no frequency). This sequence change replaces lysine with arginine at codon 350 of the PEX13 protein (p.Lys350Arg). The lysine residue is weakly conserved and there is a small physicochemical difference between lysine and arginine. This variant has not been reported in the literature in individuals affected with PEX13-related conditions. Algorithms developed to predict the effect of missense changes on protein structure and function (SIFT, PolyPhen-2, Align-GVGD) all suggest that this variant is likely to be tolerated. In summary, the available evidence is currently insufficient to determine the role of this variant in disease. Therefore, it has been classified as a Variant of Uncertain Significance.

NM_002618.4(PEX13):c.1049A>G (p.Lys350Arg)

Gene: PEX13 (peroxisomal biogenesis factor 13; plus strand). Cytogenetic location: 2p15.
Variant type: single nucleotide variant.
Coding change: c.1049A>G on transcript NM_002618.4 (MANE Select); coding-DNA position 1049, A replaced by G.
Protein change: p.Lys350Arg; replaces lysine 350 with arginine.
Molecular consequence: missense variant.
Genome position (GRCh38, 1-based): chr2:61,048,607, A>G. VCF-style: chr2-61048607-A-G. GRCh37 (hg19) VCF-style: chr2-61275742-A-G.
Other names: short protein forms K350R.
Identifiers: ClinVar variation 1490306 (VCV001490306.4), dbSNP rs1052212655, ClinGen allele CA48356027.
Genomic context (GRCh38, chr2:61,048,607, plus strand): 5'-ATGTCAAAATTCTTGGCAAAAGAAAAGGTAGGAAAACGGTGGAATCAAGTAAAGTTTCCA[A>G]GCAGCAACAATCTTTTACCAACCCAACACTAACTAAAGGAGCCACGGTTGCTGATTCTTT-3'
Protein context (NP_002609.1, residues 340-360): RKTVESSKVS[Lys350Arg]QQQSFTNPTL